The following is an entry in ClinVar:

NM_000548.5(TSC2):c.2491dup (p.Thr831fs)

Gene: TSC2 (TSC complex subunit 2; plus strand). Cytogenetic location: 16p13.3.
Variant type: Duplication.
Coding change: c.2491dup on transcript NM_000548.5 (MANE Select); coding-DNA position 2491, one base duplicated (A; older notation c.2491dupA).
Protein change: p.Thr831fs; shifts the reading frame from threonine 831.
Molecular consequence: frameshift variant.
Genome position (GRCh38, 1-based): chr16:2,074,335, A duplicated. VCF-style (leftmost placement, unchanged base first): chr16-2074334-C-CA. GRCh37 (hg19) VCF-style: chr16-2124335-C-CA.
Other names: c.2491dup, p.Thr831fs (NM_001077183.3, NM_001114382.3, NM_001363528.2 and 3 more transcripts); c.2380dup, p.Thr794fs (NM_001318827.2); c.2344dup, p.Thr782fs (NM_001318829.2); c.1891dup, p.Thr631fs (NM_001318831.2); c.2524dup, p.Thr842fs (NM_001318832.2); short protein forms T631fs, T794fs, T831fs, T782fs, T842fs.
Identifiers: ClinVar variation 207773 (VCV000207773.1), dbSNP rs1555507623, ClinGen allele CA319574.
Genomic context (GRCh38, chr16:2,074,334, plus strand): 5'-CTGCAGCGTGGAGATGCCTGACATCATCATCAAGGCGCTGCCTGTTCTGGTGGTGAAGCT[C>CA]ACGCACATCTCAGCCACAGCCAGCATGGCCGTCCCACTGCTGGAGTTCCTGTCCAGTGAG-3'

ClinVar aggregate classification (germline): Pathogenic (1 of 4 stars; one submission).

Submission:

GeneDx
Classification: Pathogenic. Last evaluated: 2015-01-06. Review status: criteria provided, single submitter. Criteria: GeneDx Variant Classification (06012015). Collection method: clinical testing. Allele origin: germline. Affected: yes.
Comment: c.2491dupA: p.Thr831AsnfsX52 (T831NfsX52) in exon 22 of the TSC2 gene (NM_000548.3)The c.2491dupA mutation in the TSC2 gene causes a frameshift starting with codon Threonine 831, changes this amino acid to an Asparagine residue and creates a premature Stop codon at position 52 of the new reading frame, denoted p.Thr831AsnfsX52. This mutation is predicted to cause loss of normal protein function either through protein truncation or nonsense-mediated mRNA decay. Although this mutation has not been previously reported to our knowledge, a different frameshift mutation affecting the same nucleotide (c.2491_2492insTA) has been previously reported in association with TSC (Au et al., 1998). The variant is found in TUBSC-EPIV2-1 panel(s).